The following is an entry in ClinVar:

ClinVar aggregate classification (germline): Uncertain significance. Review status: criteria provided, multiple submitters, no conflicts (2 of 4 stars). 2 submissions from 2 submitters: Uncertain significance (2). Last evaluated 2025-01-30.

Conditions:
Fanconi anemia (FA). Also called: Fanconi's anemia. Identifiers: Orphanet 84, MedGen C0015625, MeSH D005199, MONDO:0019391.
Inborn genetic diseases. Identifiers: MedGen C0950123, MeSH D030342.

Allele frequency attached by ClinVar (database versions not stated): gnomAD 0.00001; TOPMed 0.00001; ExAC 0.00006; gnomAD exomes below 0.00001.
gnomAD v4.1: 9 of 1,614,090 alleles (0.00056%); highest among the groups gnomAD compares: East Asian, 0.016%; no homozygotes.

Submissions (2):

Ambry Genetics
Classification: Uncertain significance for Inborn genetic diseases. Last evaluated: 2025-01-30. Review status: criteria provided, single submitter. Criteria: Ambry Variant Classification Scheme 2023. Collection method: clinical testing. Allele origin: germline.
Comment: The p.T531I variant (also known as c.1592C>T), located in coding exon 12 of the FANCG gene, results from a C to T substitution at nucleotide position 1592. The threonine at codon 531 is replaced by isoleucine, an amino acid with similar properties. This amino acid position is conserved. In addition, this alteration is predicted to be tolerated by in silico analysis. Based on the available evidence, the clinical significance of this variant remains unclear.

Labcorp Genetics (formerly Invitae), Labcorp
Classification: Uncertain significance for Fanconi anemia. Last evaluated: 2024-12-23. Review status: criteria provided, single submitter. Criteria: Invitae Variant Classification Sherloc (09022015). Collection method: clinical testing. Allele origin: germline.
Comment: This sequence change replaces threonine, which is neutral and polar, with isoleucine, which is neutral and non-polar, at codon 531 of the FANCG protein (p.Thr531Ile). This variant is present in population databases (rs745748580, gnomAD 0.05%). This variant has not been reported in the literature in individuals affected with FANCG-related conditions. ClinVar contains an entry for this variant (Variation ID: 2021785). Invitae Evidence Modeling of protein sequence and biophysical properties (such as structural, functional, and spatial information, amino acid conservation, physicochemical variation, residue mobility, and thermodynamic stability) has been performed for this missense variant. However, the output from this modeling did not meet the statistical confidence thresholds required to predict the impact of this variant on FANCG protein function. In summary, the available evidence is currently insufficient to determine the role of this variant in disease. Therefore, it has been classified as a Variant of Uncertain Significance.

NM_004629.2(FANCG):c.1592C>T (p.Thr531Ile)

Gene: FANCG (FA complementation group G; minus strand). Cytogenetic location: 9p13.3.
Variant type: single nucleotide variant.
Coding change: c.1592C>T on transcript NM_004629.2 (MANE Select); coding-DNA position 1592, C replaced by T.
Protein change: p.Thr531Ile; replaces threonine 531 with isoleucine.
Molecular consequence: missense variant.
Genome position (GRCh38, 1-based): chr9:35,074,971, G>A on the plus strand (C>T on the coding strand, the complement: FANCG is on the minus strand). VCF-style: chr9-35074971-G-A. GRCh37 (hg19) VCF-style: chr9-35074968-G-A.
Other names: short protein forms T531I.
Identifiers: ClinVar variation 2021785 (VCV002021785.3), dbSNP rs745748580, ClinGen allele CA5039689.